The following is an entry in ClinVar:

ClinVar aggregate classification (germline): Uncertain significance (1 of 4 stars; one submission).

Allele frequency attached by ClinVar (database versions not stated): gnomAD exomes below 0.00001.

Submission:

Labcorp Genetics (formerly Invitae), Labcorp
Classification: Uncertain significance. Last evaluated: 2024-04-15. Review status: criteria provided, single submitter. Criteria: Invitae Variant Classification Sherloc (09022015). Collection method: clinical testing. Allele origin: germline.
Comment: This sequence change replaces valine, which is neutral and non-polar, with alanine, which is neutral and non-polar, at codon 1021 of the ATP4A protein (p.Val1021Ala). This variant is present in population databases (no rsID available, gnomAD 0.003%). This variant has not been reported in the literature in individuals affected with ATP4A-related conditions. Advanced modeling of protein sequence and biophysical properties (such as structural, functional, and spatial information, amino acid conservation, physicochemical variation, residue mobility, and thermodynamic stability) performed at Invitae indicates that this missense variant is not expected to disrupt ATP4A protein function with a negative predictive value of 80%. In summary, the available evidence is currently insufficient to determine the role of this variant in disease. Therefore, it has been classified as a Variant of Uncertain Significance.

NM_000704.3(ATP4A):c.3062T>C (p.Val1021Ala)

Gene: ATP4A (ATPase H+/K+ transporting subunit alpha; minus strand). Cytogenetic location: 19q13.12.
Variant type: single nucleotide variant.
Coding change: c.3062T>C on transcript NM_000704.3 (MANE Select); coding-DNA position 3062, T replaced by C.
Protein change: p.Val1021Ala; replaces valine 1021 with alanine.
Molecular consequence: missense variant.
Genome position (GRCh38, 1-based): chr19:35,550,851, A>G on the plus strand (T>C on the coding strand, the complement: ATP4A is on the minus strand). VCF-style: chr19-35550851-A-G. GRCh37 (hg19) VCF-style: chr19-36041753-A-G.
Other names: short protein forms V1021A.
Identifiers: ClinVar variation 2697507 (VCV002697507.3), dbSNP rs1428090470, ClinGen allele CA405369511.